The following is an entry in ClinVar:

NM_000444.6(PHEX):c.2164del (p.Ser722fs)

Genes: PHEX (phosphate regulating endopeptidase X-linked; plus strand), PTCHD1-AS (PTCHD1 and PHEX antisense RNA; minus strand). Cytogenetic location: Xp22.11.
Variant type: Deletion.
Coding change: c.2164del on transcript NM_000444.6 (MANE Select); coding-DNA position 2164, one base deleted (A; older notation c.2164delA).
Protein change: p.Ser722fs; shifts the reading frame from serine 722.
Molecular consequence: frameshift variant. On other transcripts: stop lost (1).
Genome position (GRCh38, 1-based): chrX:22,247,867, A deleted. VCF-style (leftmost placement, unchanged base first): chrX-22247866-TA-T. GRCh37 (hg19) VCF-style: chrX-22265983-TA-T.
Other names: c.2087del, p.Ter696CysextTer? (NM_001282754.2); short protein forms S722fs.
Identifiers: ClinVar variation 949842 (VCV000949842.9), dbSNP rs1936437304, ClinGen allele CA1139667321.

ClinVar aggregate classification (germline): Pathogenic (1 of 4 stars; one submission).

Submission:

Labcorp Genetics (formerly Invitae), Labcorp
Classification: Pathogenic. Last evaluated: 2020-01-30. Review status: criteria provided, single submitter. Criteria: Invitae Variant Classification Sherloc (09022015). Collection method: clinical testing. Allele origin: germline.
Comment: Algorithms developed to predict the effect of sequence changes on RNA splicing suggest that this variant may create or strengthen a splice site, but this prediction has not been confirmed by published transcriptional studies. This sequence change results in a premature translational stop signal in the PHEX gene (p.Ser722Valfs*18). While this is not anticipated to result in nonsense mediated decay, it is expected to disrupt the last 28 amino acids of the PHEX protein. This variant is not present in population databases (ExAC no frequency). This variant has not been reported in the literature in individuals with PHEX-related conditions. This variant disrupts the C-terminus of the PHEX protein. Other variant(s) that disrupt this region (p.Arg747*) have been determined to be pathogenic (PMID: 9768674, 9199930). This suggests that variants that disrupt this region of the protein are likely to be causative of disease. For these reasons, this variant has been classified as Pathogenic.

Literature cited by the submitters: PubMed 9768674; PubMed 9199930.